The following is an entry in ClinVar:

NM_002691.4(POLD1):c.891T>A (p.Ser297Arg)

Gene: POLD1 (DNA polymerase delta 1, catalytic subunit; plus strand). Cytogenetic location: 19q13.33.
Variant type: single nucleotide variant.
Coding change: c.891T>A on transcript NM_002691.4 (MANE Select); coding-DNA position 891, T replaced by A.
Protein change: p.Ser297Arg; replaces serine 297 with arginine.
Molecular consequence: missense variant. On other transcripts: non-coding transcript variant (1).
Genome position (GRCh38, 1-based): chr19:50,402,662, T>A. VCF-style: chr19-50402662-T-A. GRCh37 (hg19) VCF-style: chr19-50905919-T-A.
Other names: c.891T>A, p.Ser297Arg (NM_001256849.1, NM_001308632.1); short protein forms S297R.
Identifiers: ClinVar variation 3663609 (VCV003663609.2).

ClinVar aggregate classification (germline): Uncertain significance (1 of 4 stars; one submission).

Conditions:
POLD1-related polyposis and colorectal cancer syndrome (CRCS10). Also called: Colorectal cancer 10; COLORECTAL CANCER, SUSCEPTIBILITY TO, ON CHROMOSOME 19q; Colorectal cancer, susceptibility to, 10. Identifiers: Orphanet 220460, MedGen C2675481, MONDO:0012953, OMIM 612591.

Submission:

Labcorp Genetics (formerly Invitae), Labcorp
Classification: Uncertain significance for POLD1-related polyposis and colorectal cancer syndrome. Last evaluated: 2024-08-29. Review status: criteria provided, single submitter. Criteria: Invitae Variant Classification Sherloc (09022015). Collection method: clinical testing. Allele origin: germline.
Comment: This sequence change replaces serine, which is neutral and polar, with arginine, which is basic and polar, at codon 297 of the POLD1 protein (p.Ser297Arg). This variant is not present in population databases (gnomAD no frequency). This variant has not been reported in the literature in individuals affected with POLD1-related conditions. Invitae Evidence Modeling of protein sequence and biophysical properties (such as structural, functional, and spatial information, amino acid conservation, physicochemical variation, residue mobility, and thermodynamic stability) indicates that this missense variant is expected to disrupt POLD1 protein function with a positive predictive value of 80%. In summary, the available evidence is currently insufficient to determine the role of this variant in disease. Therefore, it has been classified as a Variant of Uncertain Significance.